The following is an entry in ClinVar:

ClinVar aggregate classification (germline): Likely benign (1 of 4 stars; one submission).

Conditions:
FHL1-related disorder. Also called: FHL1-related condition; FHL1-related disorders.

Submission:

PreventionGenetics, part of Exact Sciences
Classification: Likely benign for FHL1-related condition. Last evaluated: 2026-05-10. Review status: criteria provided, single submitter. Criteria: ACMG Guidelines, 2015. Collection method: clinical testing. Allele origin: germline.
Comment: This variant is classified as likely benign based on ACMG/AMP sequence variant interpretation guidelines (Richards et al. 2015 PMID: 25741868, with internal and published modifications).

NM_001159702.3(FHL1):c.-26-9548C>T

Gene: FHL1 (four and a half LIM domains 1; plus strand). Cytogenetic location: Xq26.3.
Variant type: single nucleotide variant.
Coding change: c.-26-9548C>T on transcript NM_001159702.3 (MANE Plus Clinical); 9548 bases into the intron before 26 bases upstream of the start codon, C replaced by T.
Molecular consequence: intron variant. On other transcripts: synonymous variant (1).
Genome position (GRCh38, 1-based): chrX:136,196,859, C>T. VCF-style: chrX-136196859-C-T. GRCh37 (hg19) VCF-style: chrX-135279018-C-T.
Other names: c.57C>T, p.Pro19= (NM_001159701.2); c.-26-9548C>T (NM_001449.5, NM_001159703.2, NM_001369326.1 and 7 more transcripts).
Identifiers: ClinVar variation 4981394 (VCV004981394.1).